The following is an entry in ClinVar:

NM_138576.4(BCL11B):c.1478C>A (p.Ser493Ter)

Gene: BCL11B (BCL11 transcription factor B; minus strand). Cytogenetic location: 14q32.2.
Variant type: single nucleotide variant.
Coding change: c.1478C>A on transcript NM_138576.4 (MANE Select); coding-DNA position 1478, C replaced by A.
Protein change: p.Ser493Ter; replaces serine 493 with a stop codon.
Molecular consequence: nonsense.
Genome position (GRCh38, 1-based): chr14:99,175,358, G>T on the plus strand (C>A on the coding strand, the complement: BCL11B is on the minus strand). VCF-style: chr14-99175358-G-T. GRCh37 (hg19) VCF-style: chr14-99641695-G-T.
Other names: c.1475C>A, p.Ser492Ter (NM_001282237.2); c.1262C>A, p.Ser421Ter (NM_001282238.2); c.1265C>A, p.Ser422Ter (NM_022898.3); short protein forms S421*, S422*, S492*, S493*.
Identifiers: ClinVar variation 4713515 (VCV004713515.1).
Genomic context (GRCh38, chr14:99,175,358, plus strand): 5'-GCCGCCTTGAGGCCCTCGCCCGCCAGCTCGCTGGTGCCGGGCTCGGGGGAGCTGGCGGCC[G>T]AGAGCCCGTCGTCGGAGCGGCCGGCCAGCGAGCCGGCCTTGTGCATGTGCGTCTTCATGT-3'

ClinVar aggregate classification (germline): Likely pathogenic (1 of 4 stars; one submission).

Submission:

Labcorp Genetics (formerly Invitae), Labcorp
Classification: Likely pathogenic. Last evaluated: 2025-03-20. Review status: criteria provided, single submitter. Criteria: Invitae Variant Classification Sherloc (09022015). Collection method: clinical testing. Allele origin: germline.
Comment: This sequence change creates a premature translational stop signal (p.Ser493*) in the BCL11B gene. While this is not anticipated to result in nonsense mediated decay, it is expected to disrupt the last 402 amino acid(s) of the BCL11B protein. This variant is not present in population databases (gnomAD no frequency). This premature translational stop signal has been observed in individual(s) with clinical features of BCL11B deficiency (internal data). In at least one individual the variant was observed to be de novo. In summary, the currently available evidence indicates that the variant is pathogenic, but additional data are needed to prove that conclusively. Therefore, this variant has been classified as Likely Pathogenic.